The following is an entry in ClinVar:

NM_032620.4(GTPBP3):c.1304A>C (p.Gln435Pro)

Gene: GTPBP3 (GTP binding protein 3, mitochondrial; plus strand). Cytogenetic location: 19p13.11.
Variant type: single nucleotide variant.
Coding change: c.1304A>C on transcript NM_032620.4 (MANE Select); coding-DNA position 1304, A replaced by C.
Protein change: p.Gln435Pro; replaces glutamine 435 with proline.
Molecular consequence: missense variant.
Genome position (GRCh38, 1-based): chr19:17,341,528, A>C. VCF-style: chr19-17341528-A-C. GRCh37 (hg19) VCF-style: chr19-17452337-A-C.
Other names: c.1241A>C, p.Gln414Pro (NM_001128855.3); c.1370A>C, p.Gln457Pro (NM_001195422.1); c.1400A>C, p.Gln467Pro (NM_133644.4); c.1400A>C (NM_133644.3); short protein forms Q467P, Q435P, Q414P, Q457P.
Identifiers: ClinVar variation 1409317 (VCV001409317.6), dbSNP rs375746371, ClinGen allele CA9293708.

ClinVar aggregate classification (germline): Uncertain significance. Review status: criteria provided, multiple submitters, no conflicts (2 of 4 stars). 2 submissions from 2 submitters: Uncertain significance (2). Last evaluated 2025-08-21.

Conditions:
Inborn genetic diseases. Identifiers: MedGen C0950123, MeSH D030342.

Allele frequency attached by ClinVar (database versions not stated): gnomAD 0.00002 and 0.00003; gnomAD exomes 0.00002; TOPMed 0.00002; ExAC 0.00003; ESP Exome Variant Server 0.00015.
gnomAD v4.1: 13 of 1,613,630 alleles (0.00081%); highest among the groups gnomAD compares: Non-Finnish European, 0.0011%; no homozygotes.

Submissions (2):

Ambry Genetics
Classification: Uncertain significance for Inborn genetic diseases. Last evaluated: 2025-08-21. Review status: criteria provided, single submitter. Criteria: Ambry Variant Classification Scheme 2023. Collection method: clinical testing. Allele origin: germline.

Labcorp Genetics (formerly Invitae), Labcorp
Classification: Uncertain significance. Last evaluated: 2021-08-14. Review status: criteria provided, single submitter. Criteria: Invitae Variant Classification Sherloc (09022015). Collection method: clinical testing. Allele origin: germline.
Comment: This sequence change replaces glutamine with proline at codon 467 of the GTPBP3 protein (p.Gln467Pro). The glutamine residue is moderately conserved and there is a moderate physicochemical difference between glutamine and proline. This variant is present in population databases (rs375746371, ExAC 0.006%). This variant has not been reported in the literature in individuals affected with GTPBP3-related conditions. Algorithms developed to predict the effect of missense changes on protein structure and function (SIFT, PolyPhen-2, Align-GVGD) all suggest that this variant is likely to be tolerated. In summary, the available evidence is currently insufficient to determine the role of this variant in disease. Therefore, it has been classified as a Variant of Uncertain Significance.